The following is an entry in ClinVar:

NM_014159.7(SETD2):c.3890G>T (p.Arg1297Leu)

Gene: SETD2 (SET domain containing 2, histone lysine methyltransferase; minus strand). Cytogenetic location: 3p21.31.
Variant type: single nucleotide variant.
Coding change: c.3890G>T on transcript NM_014159.7 (MANE Select); coding-DNA position 3890, G replaced by T.
Protein change: p.Arg1297Leu; replaces arginine 1297 with leucine.
Molecular consequence: missense variant. On other transcripts: non-coding transcript variant (1).
Genome position (GRCh38, 1-based): chr3:47,120,746, C>A on the plus strand (G>T on the coding strand, the complement: SETD2 is on the minus strand). VCF-style: chr3-47120746-C-A. GRCh37 (hg19) VCF-style: chr3-47162236-C-A.
Other names: c.3758G>T, p.Arg1253Leu (NM_001349370.3); short protein forms R1253L, R1297L.
Identifiers: ClinVar variation 3360276 (VCV003360276.1).

ClinVar aggregate classification (germline): Uncertain significance (1 of 4 stars; one submission).

Submission:

GeneDx
Classification: Uncertain significance. Last evaluated: 2023-06-23. Review status: criteria provided, single submitter. Criteria: GeneDx Variant Classification Process June 2021. Collection method: clinical testing. Allele origin: germline. Affected: yes.
Comment: Not observed at significant frequency in large population cohorts (gnomAD); In silico analysis supports that this missense variant has a deleterious effect on protein structure/function; Has not been previously published as pathogenic or benign to our knowledge